The following is an entry in ClinVar:

NM_001379659.1(ZNF142):c.1874-4_1874-3del

Gene: ZNF142 (zinc finger protein 142; minus strand). Cytogenetic location: 2q35.
Variant type: Microsatellite.
Coding change: c.1874-4_1874-3del on transcript NM_001379659.1 (MANE Select); 4 bases into the intron before coding-DNA position 1874 through 3 bases into the intron before coding-DNA position 1874, 2 bases deleted (TA; older notation c.1874-4_1874-3delTA).
Molecular consequence: intron variant.
Genome position (GRCh38, 1-based): chr2:218,646,351-218,646,352, TA deleted on the plus strand (TA on the coding strand, the reverse complement: ZNF142 is on the minus strand); deleting any 2 consecutive bases within chr2:218,646,351-218,646,355 gives the same sequence; the c. name uses the placement nearest the transcript's 3' end. VCF-style (leftmost placement, unchanged base first): chr2-218646350-TTA-T. GRCh37 (hg19) VCF-style: chr2-219511073-TTA-T.
Other names: c.1874-4_1874-3del (NM_001379660.1, NM_001379661.1, NM_001366290.3); c.1274-4_1274-3del (NM_001379662.1, NM_001105537.4, NM_001366291.2); c.785-4_785-3del (NM_001366289.2, NM_001366288.2, NM_001366287.2).
Identifiers: ClinVar variation 2651893 (VCV002651893.24), dbSNP rs558576480, ClinGen allele CA2109274.

ClinVar aggregate classification (germline): Likely benign (1 of 4 stars; one submission).

Submission:

CeGaT Center for Human Genetics Tuebingen
Classification: Likely benign. Last evaluated: 2025-08-01. Review status: criteria provided, single submitter. Criteria: CeGaT Center For Human Genetics Tuebingen Variant Classification Criteria Version 2. Collection method: clinical testing. Allele origin: germline. Affected: yes. Observed: 2 variant alleles.
Comment: ZNF142: BP4, BS2